The following is an entry in ClinVar:

NM_201384.3(PLEC):c.8762C>T (p.Thr2921Met)

Gene: PLEC (plectin; minus strand). Cytogenetic location: 8q24.3.
Variant type: single nucleotide variant.
Coding change: c.8762C>T on transcript NM_201384.3 (MANE Select); coding-DNA position 8762, C replaced by T.
Protein change: p.Thr2921Met; replaces threonine 2921 with methionine.
Molecular consequence: missense variant.
Genome position (GRCh38, 1-based): chr8:143,921,059, G>A on the plus strand (C>T on the coding strand, the complement: PLEC is on the minus strand). VCF-style: chr8-143921059-G-A. GRCh37 (hg19) VCF-style: chr8-144995227-G-A.
Other names: c.8843C>T, p.Thr2948Met (NM_000445.5); c.8720C>T, p.Thr2907Met (NM_201378.4); c.8696C>T, p.Thr2899Met (NM_201379.3); c.9173C>T, p.Thr3058Met (NM_201380.4); c.8666C>T, p.Thr2889Met (NM_201381.3); c.8762C>T, p.Thr2921Met (NM_201382.4); c.8774C>T, p.Thr2925Met (NM_201383.3); short protein forms T2907M, T2921M, T2948M, T2899M, T2925M, T3058M, T2889M.
Identifiers: ClinVar variation 284102 (VCV000284102.20), dbSNP rs191036710, ClinGen allele CA4925193.
Genomic context (GRCh38, chr8:143,921,059, plus strand): 5'-AGGTCCCGCCGCTGCTCTGCCGTGAAGTATTCCGAGTTGATGATCTCCCAAATGGTCACC[G>A]TCTTGCCCTGGAACTTGCCGAACGGCGCAGACACGGTGGCCTTCTCAAAGACGTCCCGGG-3'
Protein context (NP_958786.1, residues 2911-2931): SAPFGKFQGK[Thr2921Met]VTIWEIINSE

ClinVar aggregate classification (germline): Conflicting classifications of pathogenicity. Review status: criteria provided, conflicting classifications (1 of 4 stars). 6 submissions from 6 submitters: Uncertain significance (4); Likely benign (1). 1 of the submissions does not count toward it. Last evaluated 2025-10-27.

Conditions:
PLEC-related disorder. Also called: PLEC-related condition; PLEC-related disorders.
Epidermolysis bullosa simplex 5B, with muscular dystrophy (EBS5B). Also called: EPIDERMOLYSIS BULLOSA SIMPLEX AND LIMB-GIRDLE MUSCULAR DYSTROPHY; Epidermolysis bullosa simplex with muscular dystrophy. Identifiers: Orphanet 257, MedGen C2931072, MONDO:0009181, OMIM 226670.
Epidermolysis bullosa simplex with nail dystrophy (EBS5D). Identifiers: MedGen C4225309, MONDO:0014661, OMIM 616487.
Autosomal recessive limb-girdle muscular dystrophy type 2Q (LGMDR17). Also called: MUSCULAR DYSTROPHY, LIMB-GIRDLE, AUTOSOMAL RECESSIVE 17. Identifiers: Orphanet 254361, MedGen C3150989, MONDO:0013390, OMIM 613723.
Epidermolysis bullosa simplex 5C, with pyloric atresia (EBS5C). Also called: PLEC1-Related Epidermolysis Bullosa with Pyloric Atresia; PLEC-Related Epidermolysis Bullosa with Pyloric Atresia; Epidermolysis bullosa simplex with pyloric atresia. Identifiers: Orphanet 158684, MedGen C2677349, MONDO:0012807, OMIM 612138.
Epidermolysis bullosa simplex, Ogna type (EBS5A). Also called: Pidermolysis bullosa simplex 5A, Ogna type; EPIDERMOLYSIS BULLOSA SIMPLEX 5A, OGNA TYPE. Identifiers: Orphanet 79401, MedGen C0432317, MONDO:0007555, OMIM 131950.

Allele frequency attached by ClinVar (database versions not stated): ExAC 0.00007; gnomAD exomes 0.00012 and 0.00021; ESP Exome Variant Server 0.00015; TOPMed 0.00025; gnomAD 0.00026 and 0.00027; 1000 Genomes Project 30x 0.00047; 1000 Genomes Project 0.00060.
gnomAD v4.1: 349 of 1,612,054 alleles (0.022%); highest among the groups gnomAD compares: Non-Finnish European, 0.026%; no homozygotes.

Submissions (6):

Labcorp Genetics (formerly Invitae), Labcorp
Classification: Uncertain significance for Autosomal recessive limb-girdle muscular dystrophy type 2Q; Epidermolysis bullosa simplex, Ogna type; Epidermolysis bullosa simplex with nail dystrophy; Epidermolysis bullosa simplex 5C, with pyloric atresia; Epidermolysis bullosa simplex 5B, with muscular dystrophy. Last evaluated: 2025-10-27. Review status: criteria provided, single submitter. Criteria: Invitae Variant Classification Sherloc (09022015). Collection method: clinical testing. Allele origin: germline.
Comment: This sequence change replaces threonine, which is neutral and polar, with methionine, which is neutral and non-polar, at codon 2948 of the PLEC protein (p.Thr2948Met). This variant is present in population databases (rs191036710, gnomAD 0.02%). This variant has not been reported in the literature in individuals affected with PLEC-related conditions. ClinVar contains an entry for this variant (Variation ID: 284102). An algorithm developed to predict the effect of missense changes on protein structure and function (PolyPhen-2) suggests that this variant is likely to be disruptive. In summary, the available evidence is currently insufficient to determine the role of this variant in disease. Therefore, it has been classified as a Variant of Uncertain Significance.

Revvity Omics, Revvity
Classification: Uncertain significance. Last evaluated: 2024-04-02. Review status: criteria provided, single submitter. Criteria: ACMG Guidelines, 2015. Collection method: clinical testing. Allele origin: germline.

CENTOGENE GmbH and LLC - Guiding Precision Medicine
Classification: Uncertain significance for Autosomal recessive limb-girdle muscular dystrophy type 2Q. Last evaluated: 2020-08-29. Review status: criteria provided, single submitter. Criteria: ACMG Guidelines, 2015. Collection method: clinical testing. Allele origin: germline. Affected: yes.

GeneDx
Classification: Likely benign. Last evaluated: 2019-07-02. Review status: criteria provided, single submitter. Criteria: GeneDx Variant Classification Process June 2021. Collection method: clinical testing. Allele origin: germline. Affected: yes.

Eurofins Ntd Llc (ga)
Classification: Uncertain significance. Last evaluated: 2018-03-09. Review status: criteria provided, single submitter. Criteria: EGL ClinVar v180209 classification definitions. Collection method: clinical testing. Allele origin: germline. Observed: 5 variant alleles, 5 heterozygotes.

PreventionGenetics, part of Exact Sciences
Classification: Uncertain significance for PLEC-related condition. Last evaluated: 2024-09-13. Review status: no assertion criteria provided. Collection method: clinical testing. Allele origin: germline. Not counted in ClinVar's aggregate classification.
Comment: The PLEC c.8843C>T variant is predicted to result in the amino acid substitution p.Thr2948Met. To our knowledge, this variant has not been reported in the literature. This variant is reported in 0.025% of alleles in individuals of African descent in gnomAD. At this time, the clinical significance of this variant is uncertain due to the absence of conclusive functional and genetic evidence.